The following is an entry in ClinVar:

ClinVar aggregate classification (germline): Uncertain significance (1 of 4 stars; one submission).

Conditions:
Hereditary cancer-predisposing syndrome. Also called: Neoplastic Syndromes, Hereditary; Tumor predisposition; Hereditary neoplastic syndrome; Hereditary Cancer Syndrome. Identifiers: Orphanet 140162, MedGen C0027672, MeSH D009386, MONDO:0015356.

Submission:

Ambry Genetics
Classification: Uncertain significance for Hereditary cancer-predisposing syndrome. Last evaluated: 2018-06-14. Review status: criteria provided, single submitter. Criteria: Ambry Variant Classification Scheme 2023. Collection method: clinical testing. Allele origin: germline.
Comment: The c.4670_4678dupTTGATTCTG variant (also known as p.S1559_E1560insVDS), located in coding exon 15 of the APC gene, results from an in-frame duplication of TTGATTCTG at nucleotide positions 4670 to 4678. This results in the duplication of 3 extra residues (VDS) between codons 1559 and 1560. This nucleotide region is not well conserved in available vertebrate species. Since supporting evidence is limited at this time, the clinical significance of this alteration remains unclear.

NM_000038.6(APC):c.4670_4678dup (p.Ser1559_Glu1560insValAspSer)

Gene: APC (APC regulator of Wnt signaling pathway; plus strand). Cytogenetic location: 5q22.2.
Variant type: Duplication.
Coding change: c.4670_4678dup on transcript NM_000038.6 (MANE Select); coding-DNA positions 4670 to 4678, 9 bases duplicated (TTGATTCTG; older notation c.4670_4678dupTTGATTCTG).
Protein change: p.Ser1559_Glu1560insValAspSer.
Molecular consequence: inframe insertion.
Genome position (GRCh38, 1-based): chr5:112,840,264-112,840,272, TTGATTCTG duplicated. VCF-style (leftmost placement, unchanged base first): chr5-112840263-A-ATTGATTCTG. GRCh37 (hg19) VCF-style: chr5-112175960-A-ATTGATTCTG.
Other names: c.4670_4678dup, p.Ser1559_Glu1560insValAspSer (NM_001127510.3, NM_001354895.2); c.4616_4624dup, p.Ser1541_Glu1542insValAspSer (NM_001127511.3); c.4724_4732dup, p.Ser1577_Glu1578insValAspSer (NM_001354896.2); c.4700_4708dup, p.Ser1569_Glu1570insValAspSer (NM_001354897.2); c.4595_4603dup, p.Ser1534_Glu1535insValAspSer (NM_001354898.2); c.4586_4594dup, p.Ser1531_Glu1532insValAspSer (NM_001354899.2); c.4547_4555dup, p.Ser1518_Glu1519insValAspSer (NM_001354900.2); c.4493_4501dup, p.Ser1500_Glu1501insValAspSer (NM_001354901.2); and 5 more.
Identifiers: ClinVar variation 825086 (VCV000825086.4), dbSNP rs1580651080, ClinGen allele CA915943496.